The following is an entry in ClinVar:

ClinVar aggregate classification (germline): Likely pathogenic (1 of 4 stars; one submission).

Submission:

Labcorp Genetics (formerly Invitae), Labcorp
Classification: Likely pathogenic. Last evaluated: 2023-03-12. Review status: criteria provided, single submitter. Criteria: Invitae Variant Classification Sherloc (09022015). Collection method: clinical testing. Allele origin: germline.
Comment: This variant is not present in population databases (gnomAD no frequency). This sequence change affects an acceptor splice site in intron 7 of the ADAMTSL4 gene. It is expected to disrupt RNA splicing. Variants that disrupt the donor or acceptor splice site typically lead to a loss of protein function (PMID: 16199547), and loss-of-function variants in ADAMTSL4 are known to be pathogenic (PMID: 20564469, 28642162). This variant has not been reported in the literature in individuals affected with ADAMTSL4-related conditions. Algorithms developed to predict the effect of sequence changes on RNA splicing suggest that this variant may disrupt the consensus splice site. In summary, the currently available evidence indicates that the variant is pathogenic, but additional data are needed to prove that conclusively. Therefore, this variant has been classified as Likely Pathogenic.

Literature cited by the submitters: PubMed 16199547; PubMed 20564469; PubMed 28642162.

NM_019032.6(ADAMTSL4):c.1235-1G>A

Genes: ADAMTSL4 (ADAMTS like 4; plus strand), ADAMTSL4-AS2 (ADAMTSL4 antisense RNA 2; minus strand). Cytogenetic location: 1q21.2.
Variant type: single nucleotide variant.
Coding change: c.1235-1G>A on transcript NM_019032.6 (MANE Select); the canonical splice acceptor site of the intron before coding-DNA position 1235, G replaced by A.
Molecular consequence: splice acceptor variant.
Genome position (GRCh38, 1-based): chr1:150,555,428, G>A. VCF-style: chr1-150555428-G-A. GRCh37 (hg19) VCF-style: chr1-150527904-G-A.
Other names: c.1304-1G>A (NM_001288608.2, NM_001288607.2); c.1235-1G>A (NM_001378596.1, NM_025008.5).
Identifiers: ClinVar variation 2845291 (VCV002845291.3), dbSNP rs2526658034, ClinGen allele CA342306935.
Genomic context (GRCh38, chr1:150,555,428, plus strand): 5'-CCTCTCTCAGCTAACCTCCCACCAGGGAGCCCACTAACCACCCTTCTACCCTGTCCCTTA[G>A]TCCAGGGCTCCCAGCGCTGTGAACTGAACTGCCGGCCCCGTGGCTTCCGCTTCTATGTCC-3'